The following is an entry in ClinVar:

ClinVar aggregate classification (germline): Uncertain significance (1 of 4 stars; one submission).

Allele frequency attached by ClinVar (database versions not stated): ExAC 0.00001; gnomAD 0.00001.

Submission:

GeneDx
Classification: Uncertain significance. Last evaluated: 2021-02-09. Review status: criteria provided, single submitter. Criteria: GeneDx Variant Classification Process June 2021. Collection method: clinical testing. Allele origin: germline. Affected: yes.
Comment: In-frame insertion of 7 amino acids in a non-repeat region; In silico analysis supports a deleterious effect on protein structure/function; Has not been previously published as pathogenic or benign to our knowledge; No data available from control populations to assess the frequency of this variant

NM_013275.6(ANKRD11):c.7212_7232dup (p.Val2410_Ile2411insMetGlnGlnThrArgGluVal)

Gene: ANKRD11 (ankyrin repeat domain containing 11; minus strand). Cytogenetic location: 16q24.3.
Variant type: Duplication.
Coding change: c.7212_7232dup on transcript NM_013275.6 (MANE Select); coding-DNA positions 7212 to 7232, 21 bases duplicated (GCAGCAGACGCGGGAGGTGAT).
Protein change: p.Val2410_Ile2411insMetGlnGlnThrArgGluVal.
Molecular consequence: inframe insertion.
Genome position (GRCh38, 1-based): chr16:89,279,310-89,279,330, ATCACCTCCCGCGTCTGCTGC duplicated on the plus strand (GCAGCAGACGCGGGAGGTGAT on the coding strand, the reverse complement: ANKRD11 is on the minus strand). VCF-style (leftmost placement, unchanged base first): chr16-89279309-G-GATCACCTCCCGCGTCTGCTGC. GRCh37 (hg19) VCF-style: chr16-89345717-G-GATCACCTCCCGCGTCTGCTGC.
Other names: c.7212_7232dup, p.Val2410_Ile2411insMetGlnGlnThrArgGluVal (NM_001256182.2, NM_001256183.2).
Identifiers: ClinVar variation 1307989 (VCV001307989.2), dbSNP rs764046639, ClinGen allele CA8241270.